The following is an entry in ClinVar:

ClinVar aggregate classification (germline): Uncertain significance. Review status: criteria provided, multiple submitters, no conflicts (2 of 4 stars). 2 submissions from 2 submitters: Uncertain significance (2). Last evaluated 2022-04-22.

Conditions:
Amelogenesis imperfecta type 1G (AI1G). Also called: ENAMEL-RENAL-GINGIVAL SYNDROME; AMELOGENESIS IMPERFECTA, HYPOPLASTIC, WITH NEPHROCALCINOSIS; Amelogenesis imperfecta-gingival hyperplasia syndrome; AMELOGENESIS IMPERFECTA, TYPE IG; AMELOGENESIS IMPERFECTA, HYPOPLASTIC, AND NEPHROCALCINOSIS; Amelogenesis imperfecta hypoplastic type, IG. Identifiers: Orphanet 1031, Orphanet 171836, MedGen C2931783, MONDO:0008771, OMIM 204690. Disease mechanism: loss of function.

Submissions (2):

Fulgent Genetics
Classification: Uncertain significance for Amelogenesis imperfecta type 1G. Last evaluated: 2022-04-22. Review status: criteria provided, single submitter. Criteria: ACMG Guidelines, 2015. Collection method: clinical testing. Allele origin: unknown.

Labcorp Genetics (formerly Invitae), Labcorp
Classification: Uncertain significance. Last evaluated: 2021-08-30. Review status: criteria provided, single submitter. Criteria: Invitae Variant Classification Sherloc (09022015). Collection method: clinical testing. Allele origin: germline.
Comment: This sequence change replaces leucine with proline at codon 365 of the FAM20A protein (p.Leu365Pro). The leucine residue is moderately conserved and there is a moderate physicochemical difference between leucine and proline. This variant is not present in population databases (ExAC no frequency). This variant has not been reported in the literature in individuals affected with FAM20A-related conditions. Algorithms developed to predict the effect of missense changes on protein structure and function are either unavailable or do not agree on the potential impact of this missense change (SIFT: "Deleterious"; PolyPhen-2: "Probably Damaging"; Align-GVGD: "Class C15"). In summary, the available evidence is currently insufficient to determine the role of this variant in disease. Therefore, it has been classified as a Variant of Uncertain Significance.

NM_017565.4(FAM20A):c.1094T>C (p.Leu365Pro)

Genes: FAM20A (FAM20A golgi associated secretory pathway pseudokinase; minus strand), PRKAR1A (protein kinase cAMP-dependent type I regulatory subunit alpha; plus strand). Cytogenetic location: 17q24.2.
Variant type: single nucleotide variant.
Coding change: c.1094T>C on transcript NM_017565.4 (MANE Select); coding-DNA position 1094, T replaced by C.
Protein change: p.Leu365Pro; replaces leucine 365 with proline.
Molecular consequence: missense variant. On other transcripts: non-coding transcript variant (1), intron variant (1).
Genome position (GRCh38, 1-based): chr17:68,542,000, A>G on the plus strand (T>C on the coding strand, the complement: FAM20A is on the minus strand). VCF-style: chr17-68542000-A-G. GRCh37 (hg19) VCF-style: chr17-66538141-A-G.
Other names: c.680T>C, p.Leu227Pro (NM_001243746.2); c.974-9084A>G (NM_001276290.1); short protein forms L365P, L227P.
Identifiers: ClinVar variation 1042445 (VCV001042445.8), dbSNP rs956049429, ClinGen allele CA293305662.
Genomic context (GRCh38, chr17:68,542,000, plus strand): 5'-GGCTACTGTCAAGGACTGGGCTGTGTGGCCTGGGGACCAACTCACTCCTCTTTTCCTGCC[A>G]GTGTGTAGGAGCGGATCCAGGGGTTGGGCACAGACAGCCTGGGGGCCAGGTTGAGGGACG-3'
Protein context (NP_060035.2, residues 355-375): VPNPWIRSYT[Leu365Pro]AGKEEWEVNP